The following is an entry in ClinVar:

ClinVar aggregate classification (germline): Uncertain significance (1 of 4 stars; one submission).

Conditions:
Warts, hypogammaglobulinemia, infections, and myelokathexis. Also called: WHIM syndrome. Identifiers: MedGen C0472817, MONDO:0023880.

Submission:

Labcorp Genetics (formerly Invitae), Labcorp
Classification: Uncertain significance for Warts, hypogammaglobulinemia, infections, and myelokathexis. Last evaluated: 2024-04-08. Review status: criteria provided, single submitter. Criteria: Invitae Variant Classification Sherloc (09022015). Collection method: clinical testing. Allele origin: germline.
Comment: This sequence change replaces isoleucine, which is neutral and non-polar, with leucine, which is neutral and non-polar, at codon 221 of the CXCR4 protein (p.Ile221Leu). This variant is not present in population databases (gnomAD no frequency). This variant has not been reported in the literature in individuals affected with CXCR4-related conditions. ClinVar contains an entry for this variant (Variation ID: 1034808). An algorithm developed to predict the effect of missense changes on protein structure and function (PolyPhen-2) suggests that this variant is likely to be tolerated. In summary, the available evidence is currently insufficient to determine the role of this variant in disease. Therefore, it has been classified as a Variant of Uncertain Significance.

NM_003467.3(CXCR4):c.661A>C (p.Ile221Leu)

Gene: CXCR4 (C-X-C motif chemokine receptor 4; minus strand). Cytogenetic location: 2q22.1.
Variant type: single nucleotide variant.
Coding change: c.661A>C on transcript NM_003467.3 (MANE Select); coding-DNA position 661, A replaced by C.
Protein change: p.Ile221Leu; replaces isoleucine 221 with leucine.
Molecular consequence: missense variant.
Genome position (GRCh38, 1-based): chr2:136,115,267, T>G on the plus strand (A>C on the coding strand, the complement: CXCR4 is on the minus strand). VCF-style: chr2-136115267-T-G. GRCh37 (hg19) VCF-style: chr2-136872837-T-G.
Other names: c.673A>C, p.Ile225Leu (NM_001008540.2); c.874A>C, p.Ile292Leu (NM_001348056.2); c.760A>C, p.Ile254Leu (NM_001348059.2); c.616A>C, p.Ile206Leu (NM_001348060.2); short protein forms I254L, I292L, I206L, I221L, I225L.
Identifiers: ClinVar variation 1034808 (VCV001034808.9), dbSNP rs1684851586, ClinGen allele CA348658255.